The following is an entry in ClinVar:

ClinVar aggregate classification (germline): Pathogenic. Review status: criteria provided, single submitter (1 of 4 stars). 2 submissions from 2 submitters: Pathogenic (1). 1 of the submissions does not count toward it. Last evaluated 2024-07-24.

Conditions:
Congenital sideroblastic anemia-B-cell immunodeficiency-periodic fever-developmental delay syndrome. Also called: Sideroblastic anemia with B-cell immunodeficiency, periodic fevers, and developmental delay. Identifiers: Orphanet 369861, MedGen C4015172, MONDO:0014487, OMIM 616084.
Retinitis pigmentosa and erythrocytic microcytosis (RPEM). Identifiers: MedGen C4310776, MONDO:0014850, OMIM 616959.

Submissions (2):

Labcorp Genetics (formerly Invitae), Labcorp
Classification: Pathogenic for Congenital sideroblastic anemia-B-cell immunodeficiency-periodic fever-developmental delay syndrome. Last evaluated: 2024-07-24. Review status: criteria provided, single submitter. Criteria: Invitae Variant Classification Sherloc (09022015). Collection method: clinical testing. Allele origin: germline.
Comment: This sequence change creates a premature translational stop signal (p.Ser418Valfs*11) in the TRNT1 gene. While this is not anticipated to result in nonsense mediated decay, it is expected to disrupt the last 17 amino acid(s) of the TRNT1 protein. This variant is not present in population databases (gnomAD no frequency). This premature translational stop signal has been observed in individual(s) with retinitis pigmentosa (PMID: 26494905). ClinVar contains an entry for this variant (Variation ID: 234933). This variant disrupts a region of the TRNT1 protein in which other variant(s) (p.Ser418Lysfs*9) have been determined to be pathogenic (PMID: 25193871, 26494905, 29358286). This suggests that this is a clinically significant region of the protein, and that variants that disrupt it are likely to be disease-causing. For these reasons, this variant has been classified as Pathogenic.

OMIM
Classification: Pathogenic for RETINITIS PIGMENTOSA AND ERYTHROCYTIC MICROCYTOSIS. Last evaluated: 2016-05-26. Review status: no assertion criteria provided. Collection method: literature only. Allele origin: germline. Not counted in ClinVar's aggregate classification.

Literature cited by the submitters: PubMed 26494905 (cited by Labcorp Genetics (formerly Invitae), Labcorp and OMIM); PubMed 25193871 (cited by Labcorp Genetics (formerly Invitae), Labcorp); PubMed 29358286 (cited by Labcorp Genetics (formerly Invitae), Labcorp).

NM_182916.3(TRNT1):c.1252del (p.Ser418fs)

Gene: TRNT1 (tRNA nucleotidyl transferase 1; plus strand). Cytogenetic location: 3p26.2.
Variant type: Deletion.
Coding change: c.1252del on transcript NM_182916.3 (MANE Select); coding-DNA position 1252, one base deleted (A; older notation c.1252delA).
Protein change: p.Ser418fs; shifts the reading frame from serine 418.
Molecular consequence: frameshift variant. On other transcripts: non-coding transcript variant (8).
Genome position (GRCh38, 1-based): chr3:3,148,101, A deleted; the last of 7 consecutive A bases (chr3:3,148,095-3,148,101); deleting any one gives the same sequence. VCF-style (leftmost placement, unchanged base first): chr3-3148094-GA-G. GRCh37 (hg19) VCF-style: chr3-3189778-GA-G.
Other names: c.1252del, p.Ser418fs (LRG_1314t1, NM_001367321.1, NM_001367322.1 and 1 more transcripts); c.1192del, p.Ser398fs (NM_001302946.2); short protein forms S398fs, S418fs.
Identifiers: ClinVar variation 234933 (VCV000234933.8), dbSNP rs876661298, ClinGen allele CA10581122.